The following is an entry in ClinVar:

ClinVar aggregate classification (germline): Uncertain significance (1 of 4 stars; one submission).

Conditions:
O'Donnell-Luria-Rodan syndrome (ODLURO). Also called: KMT2E-Related Neurodevelopmental Disorder. Identifiers: MedGen C5193138, MONDO:0032793, OMIM 618512.

Submission:

Dasa
Classification: Uncertain significance for O'Donnell-Luria-Rodan syndrome. Last evaluated: 2025-08-13. Review status: criteria provided, single submitter. Criteria: DASA Assertion Criteria. Collection method: clinical testing. Allele origin: germline.
Comment: NM_182931.3(KMT2E):c.4262T>C (p.Val1421Ala) is a missense variant that results in the substitution of valine with alanine. This variant is absent from population databases. Computational prediction algorithms are consistent with a benign effect. The currently available literature and clinical evidence are not sufficient to establish a definitive association between this variant and the reported condition. Therefore, this variant is classified as a variant of uncertain significance.

NM_182931.3(KMT2E):c.4262T>C (p.Val1421Ala)

Gene: KMT2E (lysine methyltransferase 2E (inactive); plus strand). Cytogenetic location: 7q22.3.
Variant type: single nucleotide variant.
Coding change: c.4262T>C on transcript NM_182931.3 (MANE Select); coding-DNA position 4262, T replaced by C.
Protein change: p.Val1421Ala; replaces valine 1421 with alanine.
Molecular consequence: missense variant.
Genome position (GRCh38, 1-based): chr7:105,112,018, T>C. VCF-style: chr7-105112018-T-C. GRCh37 (hg19) VCF-style: chr7-104752465-T-C.
Other names: c.4136T>C, p.Val1379Ala (NM_001410908.1); c.4262T>C, p.Val1421Ala (NM_018682.4); short protein forms V1379A, V1421A.
Identifiers: ClinVar variation 4881343 (VCV004881343.2).
Genomic context (GRCh38, chr7:105,112,018, plus strand): 5'-AAAAACAGCTATCAAATAACAACCAAGCACTTTCAAAGAATCATCCTCCTCAGACACACG[T>C]TCGTAATTCATCTGAGCAACTTTCACAAAAGCTGCCTTCTGTGCCAACAAAGTTGCACTG-3'
Protein context (NP_891847.1, residues 1411-1431): LSKNHPPQTH[Val1421Ala]RNSSEQLSQK